The following is an entry in ClinVar:

NM_001308093.3(GATA4):c.85G>A (p.Gly29Ser)

Gene: GATA4 (GATA binding protein 4). Cytogenetic location: 8p23.1.
Variant type: single nucleotide variant.
Coding change: c.85G>A on transcript NM_001308093.3 (MANE Select); coding-DNA position 85, G replaced by A.
Protein change: p.Gly29Ser; replaces glycine 29 with serine.
Molecular consequence: missense variant. On other transcripts: intron variant (3).
Genome position (GRCh38, 1-based): chr8:11,708,397, G>A. VCF-style: chr8-11708397-G-A. GRCh37 (hg19) VCF-style: chr8-11565906-G-A.
Other names: c.85G>A, p.Gly29Ser (NM_002052.5); c.-6+7619G>A (NM_001308094.2); c.-3+383G>A (NM_001374274.1); c.-3+4093G>A (NM_001374273.1); short protein forms G29S.
Identifiers: ClinVar variation 1764007 (VCV001764007.4), dbSNP rs1053092495, ClinGen allele CA370308807.
Genomic context (GRCh38, chr8:11,708,397, plus strand): 5'-GCCAACCACGGGCCGCCCCCCGGTGCCTACGAGGCGGGCGGCCCCGGCGCCTTCATGCAC[G>A]GCGCGGGCGCCGCGTCCTCGCCAGTCTACGTGCCCACACCGCGGGTGCCCTCCTCCGTGC-3'
Protein context (NP_001295022.1, residues 19-39): EAGGPGAFMH[Gly29Ser]AGAASSPVYV

ClinVar aggregate classification (germline): Conflicting classifications of pathogenicity. Review status: criteria provided, conflicting classifications (1 of 4 stars). 2 submissions from 2 submitters: Uncertain significance (1); Likely benign (1). Last evaluated 2025-01-16.

Conditions:
Cardiovascular phenotype. Identifiers: MedGen CN230736.
Atrioventricular septal defect 4 (AVSD4). Identifiers: MedGen C3280781, MONDO:0013747, OMIM 614430.

Submissions (2):

Labcorp Genetics (formerly Invitae), Labcorp
Classification: Uncertain significance for Atrioventricular septal defect 4. Last evaluated: 2025-01-16. Review status: criteria provided, single submitter. Criteria: Invitae Variant Classification Sherloc (09022015). Collection method: clinical testing. Allele origin: germline.
Comment: This sequence change replaces glycine, which is neutral and non-polar, with serine, which is neutral and polar, at codon 29 of the GATA4 protein (p.Gly29Ser). This variant is not present in population databases (gnomAD no frequency). This variant has not been reported in the literature in individuals affected with GATA4-related conditions. ClinVar contains an entry for this variant (Variation ID: 1764007). Invitae Evidence Modeling of protein sequence and biophysical properties (such as structural, functional, and spatial information, amino acid conservation, physicochemical variation, residue mobility, and thermodynamic stability) indicates that this missense variant is not expected to disrupt GATA4 protein function with a negative predictive value of 95%. In summary, the available evidence is currently insufficient to determine the role of this variant in disease. Therefore, it has been classified as a Variant of Uncertain Significance.

Ambry Genetics
Classification: Likely benign for Cardiovascular phenotype. Last evaluated: 2021-08-19. Review status: criteria provided, single submitter. Criteria: Ambry Variant Classification Scheme 2023. Collection method: clinical testing. Allele origin: germline.